The following is an entry in ClinVar:

ClinVar aggregate classification (germline): Uncertain significance. Review status: criteria provided, multiple submitters, no conflicts (2 of 4 stars). 4 submissions from 4 submitters: Uncertain significance (4). Last evaluated 2025-12-27.

Conditions:
Cardiovascular phenotype. Identifiers: MedGen CN230736.
Catecholaminergic polymorphic ventricular tachycardia 1. Also called: VENTRICULAR TACHYCARDIA, STRESS-INDUCED POLYMORPHIC 1; RYR2-Related Catecholaminergic Polymorphic Ventricular Tachycardia; VENTRICULAR TACHYCARDIA, CATECHOLAMINERGIC POLYMORPHIC, 1, WITH OR WITHOUT ATRIAL DYSFUNCTION AND/OR DILATED CARDIOMYOPATHY. Identifiers: Orphanet 3286, MedGen C1631597, MONDO:0011484, OMIM 604772.
Catecholaminergic polymorphic ventricular tachycardia 5 (CARDAR). Also called: Ventricular tachycardia, catecholaminergic polymorphic, 5, with or without muscle weakness; CARDIAC ARRHYTHMIA SYNDROME, WITH OR WITHOUT SKELETAL MUSCLE WEAKNESS. Identifiers: Orphanet 3286, MedGen C3809536, MONDO:0014191, OMIM 615441.

Allele frequency attached by ClinVar (database versions not stated): gnomAD 0.00001; gnomAD exomes below 0.00001.
gnomAD v4.1: 10 of 1,611,388 alleles (0.00062%); highest among the groups gnomAD compares: Admixed American, 0.0033%; no homozygotes.

Submissions (4):

Dasa
Classification: Uncertain significance for Catecholaminergic polymorphic ventricular tachycardia 5. Last evaluated: 2025-12-27. Review status: criteria provided, single submitter. Criteria: DASA Assertion Criteria. Collection method: clinical testing. Allele origin: germline.
Comment: NM_006073.4(TRDN):c.2176C>T (p.Gln726*) is a nonsense variant in TRDN predicted to introduce a premature termination codon and is predicted to result in an absent or altered protein product. This variant is rare in population databases. The currently available literature and clinical evidence are not sufficient to establish a definitive association between this variant and the reported condition. Therefore, this variant is classified as a variant of uncertain significance.

Ambry Genetics
Classification: Uncertain significance for Cardiovascular phenotype. Last evaluated: 2021-12-15. Review status: criteria provided, single submitter. Criteria: Ambry Variant Classification Scheme 2023. Collection method: clinical testing. Allele origin: germline.
Comment: The p.Q726* variant (also known as c.2176C>T), located in coding exon 41 of the TRDN gene, results from a C to T substitution at nucleotide position 2176. This changes the amino acid from a glutamine to a stop codon within coding exon 41. This alteration occurs at the 3' terminus of theTRDN gene, is not expected to trigger nonsense-mediated mRNAdecay, and only impacts the last four amino acids of the protein. The exact functional effect of this alteration is unknown. However, this alteration does not impact the predominant cardiac isoform of TRDN (NM_001256021.1; Kobayashi YM et al. J. Biol. Chem., 1999 Oct;274:28660-8). Since supporting evidence is limited at this time, the clinical significance of this alteration remains unclear.

Labcorp Genetics (formerly Invitae), Labcorp
Classification: Uncertain significance for Catecholaminergic polymorphic ventricular tachycardia 1. Last evaluated: 2021-10-26. Review status: criteria provided, single submitter. Criteria: Invitae Variant Classification Sherloc (09022015). Collection method: clinical testing. Allele origin: germline.
Comment: This sequence change creates a premature translational stop signal (p.Gln726*) in the TRDN gene. While this is not anticipated to result in nonsense mediated decay, it is expected to disrupt the last 4 amino acid(s) of the TRDN protein. This variant is present in population databases (no rsID available, gnomAD 0.003%). This variant has not been reported in the literature in individuals affected with TRDN-related conditions. Experimental studies and prediction algorithms are not available or were not evaluated, and the functional significance of this variant is currently unknown. Algorithms developed to predict the effect of sequence changes on RNA splicing suggest that this variant may create or strengthen a splice site. In summary, the available evidence is currently insufficient to determine the role of this variant in disease. Therefore, it has been classified as a Variant of Uncertain Significance.

Fulgent Genetics
Classification: Uncertain significance for Catecholaminergic polymorphic ventricular tachycardia 1; Catecholaminergic polymorphic ventricular tachycardia 5. Last evaluated: 2021-09-14. Review status: criteria provided, single submitter. Criteria: ACMG Guidelines, 2015. Collection method: clinical testing. Allele origin: unknown.

Literature cited by the submitters: PubMed 33432171 (cited by Ambry Genetics).

NM_006073.4(TRDN):c.2176C>T (p.Gln726Ter)

Gene: TRDN (triadin; minus strand). Cytogenetic location: 6q22.31.
Variant type: single nucleotide variant.
Coding change: c.2176C>T on transcript NM_006073.4 (MANE Select); coding-DNA position 2176, C replaced by T.
Protein change: p.Gln726Ter; replaces glutamine 726 with a stop codon.
Molecular consequence: nonsense.
Genome position (GRCh38, 1-based): chr6:123,218,615, G>A on the plus strand (C>T on the coding strand, the complement: TRDN is on the minus strand). VCF-style: chr6-123218615-G-A. GRCh37 (hg19) VCF-style: chr6-123539760-G-A.
Other names: short protein forms Q726*.
Identifiers: ClinVar variation 1367267 (VCV001367267.9), dbSNP rs1414689230, ClinGen allele CA365564319.